The following is an entry in ClinVar:

NM_020975.6(RET):c.1363G>A (p.Val455Ile)

Gene: RET (ret proto-oncogene; plus strand). Cytogenetic location: 10q11.21.
Variant type: single nucleotide variant.
Coding change: c.1363G>A on transcript NM_020975.6 (MANE Select); coding-DNA position 1363, G replaced by A.
Protein change: p.Val455Ile; replaces valine 455 with isoleucine.
Molecular consequence: missense variant.
Genome position (GRCh38, 1-based): chr10:43,111,306, G>A. VCF-style: chr10-43111306-G-A. GRCh37 (hg19) VCF-style: chr10-43606754-G-A.
Other names: c.1363G>A, p.Val455Ile (NM_000323.2, NM_001406743.1, NM_001406744.1 and 6 more transcripts); c.601G>A, p.Val201Ile (NM_001355216.2); c.1234G>A, p.Val412Ile (NM_001406761.1, NM_001406762.1, NM_001406764.1 and 1 more transcripts); c.1075G>A, p.Val359Ile (NM_001406766.1, NM_001406767.1, NM_001406770.1); c.967G>A, p.Val323Ile (NM_001406769.1, NM_001406772.1); c.925G>A, p.Val309Ile (NM_001406771.1, NM_001406773.1); c.838G>A, p.Val280Ile (NM_001406774.1); c.637G>A, p.Val213Ile (NM_001406775.1, NM_001406776.1, NM_001406777.1 and 1 more transcripts); and 1 more; short protein forms V201I, V455I, V213I, V280I, V412I, V309I, V323I, V359I.
Identifiers: ClinVar variation 818987 (VCV000818987.16), dbSNP rs145966037, ClinGen allele CA033292.

ClinVar aggregate classification (germline): Conflicting classifications of pathogenicity. Review status: criteria provided, conflicting classifications (1 of 4 stars). 5 submissions from 5 submitters: Uncertain significance (4); Benign (1). Last evaluated 2026-01-20.

Conditions:
Multiple endocrine neoplasia, type 2 (MEN2). Identifiers: Orphanet 653, MedGen C4048306, MONDO:0019003. Disease mechanism: gain of function.
Hereditary cancer-predisposing syndrome. Also called: Hereditary neoplastic syndrome; Neoplastic Syndromes, Hereditary; Tumor predisposition; Hereditary Cancer Syndrome. Identifiers: Orphanet 140162, MedGen C0027672, MeSH D009386, MONDO:0015356.
Multiple endocrine neoplasia type 2B. Also called: MUCOSAL NEUROMA SYNDROME; Multiple endocrine neoplasia, type 3; MULTIPLE ENDOCRINE NEOPLASIA, TYPE IIB; Multiple Endocrine Neoplasia Type 2B (MEN2B); MEN IIB; NEUROMATA, MUCOSAL, WITH ENDOCRINE TUMORS. Identifiers: Orphanet 247709, Orphanet 653, MedGen C0025269, MeSH D018814, MONDO:0008082, OMIM 162300.
Hirschsprung disease, susceptibility to, 1 (HSCR1). Also called: RET-Related Hirschsprung Disease. Identifiers: Orphanet 388, MedGen C3888239, MONDO:0007723, OMIM 142623.
Pheochromocytoma. Also called: MAX-Related Hereditary Paraganglioma-Pheochromocytoma Syndrome. Identifiers: Orphanet 29072, MedGen C0031511, MONDO:0008233, OMIM 171300, HP:0002666.
Multiple endocrine neoplasia type 2A. Also called: MULTIPLE ENDOCRINE NEOPLASIA, TYPE IIA; PTC SYNDROME; SIPPLE SYNDROME; MEN 2A; MEN-2A syndrome; Pheochromocytoma and amyloid producing medullary thyroid carcinoma. Identifiers: Orphanet 247698, Orphanet 653, MedGen C0025268, MeSH D018813, MONDO:0008234, OMIM 171400.
Familial medullary thyroid carcinoma (MTC). Also called: Familial Medullary Thyroid Carcinoma (FMTC); Thyroid cancer, familial medullary; MTC, familial. Identifiers: Orphanet 653, Orphanet 99361, MedGen C1833921, MONDO:0007958, OMIM 155240.

Allele frequency attached by ClinVar (database versions not stated): ExAC 0.00002; gnomAD exomes 0.00002; TOPMed 0.00003; gnomAD 0.00005; ESP Exome Variant Server 0.00015; 1000 Genomes Project 0.00020.
gnomAD v4.1: 10 of 1,614,128 alleles (0.00062%); highest among the groups gnomAD compares: African/African-American, 0.013%; no homozygotes.

Submissions (5):

Labcorp Genetics (formerly Invitae), Labcorp
Classification: Uncertain significance for Multiple endocrine neoplasia, type 2. Last evaluated: 2026-01-20. Review status: criteria provided, single submitter. Criteria: Invitae Variant Classification Sherloc (09022015). Collection method: clinical testing. Allele origin: germline.
Comment: This sequence change replaces valine, which is neutral and non-polar, with isoleucine, which is neutral and non-polar, at codon 455 of the RET protein (p.Val455Ile). This variant is present in population databases (rs145966037, gnomAD 0.02%). This variant has not been reported in the literature in individuals affected with RET-related conditions. ClinVar contains an entry for this variant (Variation ID: 818987). An algorithm developed to predict the effect of missense changes on protein structure and function outputs the following: PolyPhen-2: "Benign". The isoleucine amino acid residue is found in multiple mammalian species, which suggests that this missense change does not adversely affect protein function. In summary, the available evidence is currently insufficient to determine the role of this variant in disease. Therefore, it has been classified as a Variant of Uncertain Significance.

Quest Diagnostics Nichols Institute San Juan Capistrano
Classification: Uncertain significance. Last evaluated: 2025-07-18. Review status: criteria provided, single submitter. Criteria: Quest Diagnostics criteria. Collection method: clinical testing. Allele origin: unknown.

Ambry Genetics
Classification: Benign for Hereditary cancer-predisposing syndrome. Last evaluated: 2023-12-21. Review status: criteria provided, single submitter. Criteria: Ambry Variant Classification Scheme 2023. Collection method: clinical testing. Allele origin: germline.

All of Us Research Program, National Institutes of Health
Classification: Uncertain significance for Multiple endocrine neoplasia, type 2. Last evaluated: 2023-04-27. Review status: criteria provided, single submitter. Criteria: ACMG Guidelines, 2015. Collection method: clinical testing. Allele origin: germline. Inheritance: Autosomal dominant inheritance. Observed: 2 variant alleles, 2 heterozygotes.
Comment: This study involves interpretation of variants in research participants for the purpose of population health screening. Participant phenotype was not available at the time of variant classification. Additional details can be found in publication PMID: 35346344, PMCID: PMC8962531

Fulgent Genetics
Classification: Uncertain significance for Hirschsprung disease, susceptibility to, 1; Familial medullary thyroid carcinoma; Multiple endocrine neoplasia type 2B; Pheochromocytoma; Multiple endocrine neoplasia type 2A. Last evaluated: 2021-10-20. Review status: criteria provided, single submitter. Criteria: ACMG Guidelines, 2015. Collection method: clinical testing. Allele origin: unknown.